The following is an entry in ClinVar:

ClinVar aggregate classification (germline): Uncertain significance. Review status: criteria provided, multiple submitters, no conflicts (2 of 4 stars). 5 submissions from 5 submitters: Uncertain significance (5). Last evaluated 2025-10-31.

Conditions:
Cardiovascular phenotype. Identifiers: MedGen CN230736.
Catecholaminergic polymorphic ventricular tachycardia (CVPT). Also called: Catecholamine-induced polymorphic ventricular tachycardia. Identifiers: Orphanet 3286, MedGen C5574922, MONDO:0017990.
Cardiomyopathy (CMYO). Also called: Cardiomyopathies. Identifiers: Orphanet 167848, MedGen C0878544, MONDO:0004994, HP:0001638. Inheritance: Various modes of inheritance.
Catecholaminergic polymorphic ventricular tachycardia 1. Also called: RYR2-Related Catecholaminergic Polymorphic Ventricular Tachycardia; VENTRICULAR TACHYCARDIA, CATECHOLAMINERGIC POLYMORPHIC, 1, WITH OR WITHOUT ATRIAL DYSFUNCTION AND/OR DILATED CARDIOMYOPATHY; VENTRICULAR TACHYCARDIA, STRESS-INDUCED POLYMORPHIC 1. Identifiers: Orphanet 3286, MedGen C1631597, MONDO:0011484, OMIM 604772.

Allele frequency attached by ClinVar (database versions not stated): gnomAD 0.00004 and 0.00005; TOPMed 0.00004; gnomAD exomes 0.00005 and 0.00007; ExAC 0.00006; ESP Exome Variant Server 0.00008; 1000 Genomes Project 30x 0.00016; 1000 Genomes Project 0.00020.
gnomAD v4.1: 76 of 1,613,880 alleles (0.0047%); highest among the groups gnomAD compares: Middle Eastern, 0.033%; 1 homozygote.

Submissions (5):

Labcorp Genetics (formerly Invitae), Labcorp
Classification: Uncertain significance for Catecholaminergic polymorphic ventricular tachycardia 1. Last evaluated: 2025-10-31. Review status: criteria provided, single submitter. Criteria: Invitae Variant Classification Sherloc (09022015). Collection method: clinical testing. Allele origin: germline.
Comment: This sequence change replaces arginine, which is basic and polar, with tryptophan, which is neutral and slightly polar, at codon 1009 of the RYR2 protein (p.Arg1009Trp). This variant is present in population databases (rs368040638, gnomAD 0.02%), including at least one homozygous and/or hemizygous individual. This variant has not been reported in the literature in individuals affected with RYR2-related conditions. ClinVar contains an entry for this variant (Variation ID: 201234). Invitae Evidence Modeling of protein sequence and biophysical properties (such as structural, functional, and spatial information, amino acid conservation, physicochemical variation, residue mobility, and thermodynamic stability) has been performed for this missense variant. However, the output from this modeling did not meet the statistical confidence thresholds required to predict the impact of this variant on RYR2 protein function. In summary, the available evidence is currently insufficient to determine the role of this variant in disease. Therefore, it has been classified as a Variant of Uncertain Significance.

GeneDx
Classification: Uncertain significance. Last evaluated: 2025-03-03. Review status: criteria provided, single submitter. Criteria: GeneDx Variant Classification Process June 2021. Collection method: clinical testing. Allele origin: germline. Affected: yes.
Comment: Has not been previously published as pathogenic or benign in association with a cardio genetic disorder to our knowledge; In silico analysis supports that this missense variant has a deleterious effect on protein structure/function; This variant is associated with the following publications: (PMID: 28404607, 19926015, 30615648, 35026164)

All of Us Research Program, National Institutes of Health
Classification: Uncertain significance for Catecholaminergic polymorphic ventricular tachycardia. Last evaluated: 2024-08-13. Review status: criteria provided, single submitter. Criteria: ACMG Guidelines, 2015. Collection method: clinical testing. Allele origin: germline. Inheritance: Autosomal dominant inheritance. Observed: 9 variant alleles, 9 heterozygotes.
Comment: This variant is located in the RYR2 protein. Computational prediction suggests that this variant may have deleterious impact on protein structure and function (internally defined REVEL score threshold >= 0.7, PMID: 27666373). To our knowledge, functional studies have not been reported for this variant. This variant has not been reported in individuals affected with cardiovascular disorders in the literature. This variant has been identified in 18/280574 chromosomes in the general population by the Genome Aggregation Database (gnomAD). The available evidence is insufficient to determine the role of this variant in disease conclusively. Therefore, this variant is classified as a Variant of Uncertain Significance.

This study involves interpretation of variants in research participants for the purpose of population health screening. Participant phenotype was not available at the time of variant classification. Additional details can be found in publication PMID: 35346344, PMCID: PMC8962531

Color Diagnostics, LLC DBA Color Health
Classification: Uncertain significance for Cardiomyopathy. Last evaluated: 2024-05-06. Review status: criteria provided, single submitter. Criteria: ACMG Guidelines, 2015. Collection method: clinical testing. Allele origin: germline.
Comment: This variant is located in the RYR2 protein. Computational prediction suggests that this variant may have deleterious impact on protein structure and function (internally defined REVEL score threshold >= 0.7, PMID: 27666373). To our knowledge, functional studies have not been reported for this variant. This variant has not been reported in individuals affected with cardiovascular disorders in the literature. This variant has been identified in 18/280574 chromosomes in the general population by the Genome Aggregation Database (gnomAD). The available evidence is insufficient to determine the role of this variant in disease conclusively. Therefore, this variant is classified as a Variant of Uncertain Significance.

Ambry Genetics
Classification: Uncertain significance for Cardiovascular phenotype. Last evaluated: 2024-01-31. Review status: criteria provided, single submitter. Criteria: Ambry Variant Classification Scheme 2023. Collection method: clinical testing. Allele origin: germline.
Comment: The p.R1009W variant (also known as c.3025C>T), located in coding exon 26 of the RYR2 gene, results from a C to T substitution at nucleotide position 3025. The arginine at codon 1009 is replaced by tryptophan, an amino acid with dissimilar properties. This variant was detected in a reportedly healthy exome cohort (Landstrom AP et al. Circ Arrhythm Electrophysiol, 2017 Apr;10:pii: e004742) as well as in a stillbirth cohort (Sahlin E et al. PLoS ONE, 2019 Jan;14:e0210017). This alteration was also noted in a pediatric cardiomyopathy cohort (Ware SM et al. Am J Hum Genet, 2022 Feb;109:282-298). This amino acid position is highly conserved in available vertebrate species. In addition, the in silico prediction for this alteration is inconclusive. Since supporting evidence is limited at this time, the clinical significance of this alteration remains unclear.

Literature cited by the submitters: PubMed 28404607 (cited by Ambry Genetics); PubMed 30615648 (cited by Ambry Genetics); PubMed 35026164 (cited by Ambry Genetics).

NM_001035.3(RYR2):c.3025C>T (p.Arg1009Trp)

Gene: RYR2 (ryanodine receptor 2; plus strand). Cytogenetic location: 1q43.
Variant type: single nucleotide variant.
Coding change: c.3025C>T on transcript NM_001035.3 (MANE Select); coding-DNA position 3025, C replaced by T.
Protein change: p.Arg1009Trp; replaces arginine 1009 with tryptophan.
Molecular consequence: missense variant.
Genome position (GRCh38, 1-based): chr1:237,548,549, C>T. VCF-style: chr1-237548549-C-T. GRCh37 (hg19) VCF-style: chr1-237711849-C-T.
Other names: p.R1009W:CGG>TGG; c.3025C>T, p.Arg1009Trp (LRG_402t1); short protein forms R1009W.
Identifiers: ClinVar variation 201234 (VCV000201234.25), dbSNP rs368040638, ClinGen allele CA009010.